The following is an entry in ClinVar:

ClinVar aggregate classification (germline): Uncertain significance (1 of 4 stars; one submission).

Conditions:
Familial adenomatous polyposis 2. Also called: MUTYH Polyposis; FAP type 2; Adenomas, multiple colorectal; COLORECTAL ADENOMATOUS POLYPOSIS, AUTOSOMAL RECESSIVE; ADENOMAS, MULTIPLE COLORECTAL, AUTOSOMAL RECESSIVE; MUTYH-associated polyposis. Identifiers: Orphanet 220460, Orphanet 247798, MedGen C3272841, MONDO:0012041, OMIM 608456.

Submission:

Labcorp Genetics (formerly Invitae), Labcorp
Classification: Uncertain significance for Familial adenomatous polyposis 2. Last evaluated: 2022-11-23. Review status: criteria provided, single submitter. Criteria: Invitae Variant Classification Sherloc (09022015). Collection method: clinical testing. Allele origin: germline.
Comment: This variant results in a copy number gain of the genomic region encompassing exon(s) 1-2 of the MUTYH gene. This region includes the initiator codon of the gene. This copy number gain extends beyond the assayed region for this gene and therefore may encompass additional genes. As the precise location of this event is unknown, it may be in tandem or it may be located elsewhere in the genome. In summary, the available evidence is currently insufficient to determine the role of this variant in disease. Therefore, it has been classified as a Variant of Uncertain Significance. This variant has not been reported in the literature in individuals affected with MUTYH-related conditions.

NC_000001.10:g.(?_45800053)_(45809328_?)dup

Genes: MUTYH (mutY DNA glycosylase; minus strand), TOE1 (target of EGR1, exonuclease; plus strand). Cytogenetic location: 1p34.1.
Variant type: Duplication.
Identifiers: ClinVar variation 2423773 (VCV002423773.4).